The following is an entry in ClinVar:

NM_004415.4(DSP):c.5327_5330del (p.Glu1776fs)

Gene: DSP (desmoplakin; plus strand). Cytogenetic location: 6p24.3.
Variant type: Microsatellite.
Coding change: c.5327_5330del on transcript NM_004415.4 (MANE Select); coding-DNA positions 5327 to 5330, 4 bases deleted (AGAG; older notation c.5327_5330delAGAG).
Protein change: p.Glu1776fs; shifts the reading frame from glutamic acid 1776.
Molecular consequence: frameshift variant. On other transcripts: intron variant (2).
Genome position (GRCh38, 1-based): chr6:7,581,517-7,581,520, AGAG deleted; deleting any 4 consecutive bases within chr6:7,581,511-7,581,520 gives the same sequence; the c. name uses the placement nearest the transcript's 3' end. VCF-style (leftmost placement, unchanged base first): chr6-7581510-CAGAG-C. GRCh37 (hg19) VCF-style: chr6-7581743-CAGAG-C.
Other names: c.4051-1131AG[3] (NM_001319034.2); c.3583-1131AG[3] (NM_001008844.3); c.5327_5330delAGAG (NM_004415.4); c.5327_5330del (NM_004415.2); short protein forms E1776fs.
Identifiers: ClinVar variation 545955 (VCV000545955.27), dbSNP rs1394836623, ClinGen allele CA658823030.
Genomic context (GRCh38, chr6:7,581,510, plus strand): 5'-AGCCAGCTGCAGATCAGCAACAACCGGACCCTGGAACTGCAGGGGCTGATTAATGATTTA[CAGAG>C]AGAGAGGGAAAATTTGAGACAGGAAATTGAGAAATTCCAAAAGCAGGCTTTAGAGGTATT-3'

ClinVar aggregate classification (germline): Pathogenic/Likely pathogenic. Review status: criteria provided, multiple submitters, no conflicts (2 of 4 stars). 7 submissions from 7 submitters: Pathogenic (4); Likely pathogenic (3). Last evaluated 2025-12-01.

Conditions:
Arrhythmogenic cardiomyopathy with wooly hair and keratoderma. Also called: PALMOPLANTAR KERATODERMA WITH LEFT VENTRICULAR CARDIOMYOPATHY AND WOOLLY HAIR; Carvajal syndrome; Dilated cardiomyopathy with woolly hair and keratoderma; Arrhythmogenic cardiomyopathy with woolly hair and keratoderma. Identifiers: Orphanet 65282, MedGen C1854063, MONDO:0011581, OMIM 605676.
Arrhythmogenic right ventricular dysplasia 8 (ARVD8). Also called: Arrhythmogenic Right Ventricular Dysplasia/Cardiomyopathy 8; ARRHYTHMOGENIC RIGHT VENTRICULAR DYSPLASIA, FAMILIAL, 8; ARRHYTHMOGENIC RIGHT VENTRICULAR CARDIOMYOPATHY 8. Identifiers: MedGen C1843896, MONDO:0011831, OMIM 607450.
Cardiovascular phenotype. Identifiers: MedGen CN230736.
Familial isolated arrhythmogenic right ventricular dysplasia. Identifiers: Orphanet 217656, MedGen C4274968, MONDO:0016342.

Submissions (7):

Labcorp Genetics (formerly Invitae), Labcorp
Classification: Pathogenic for Arrhythmogenic cardiomyopathy with wooly hair and keratoderma; Arrhythmogenic right ventricular dysplasia 8. Last evaluated: 2025-12-01. Review status: criteria provided, single submitter. Criteria: Invitae Variant Classification Sherloc (09022015). Collection method: clinical testing. Allele origin: germline.
Comment: This sequence change creates a premature translational stop signal (p.Glu1776Glyfs*4) in the DSP gene. While this is not anticipated to result in nonsense mediated decay, it is expected to disrupt the last 1096 amino acid(s) of the DSP protein. This variant is not present in population databases (gnomAD no frequency). This variant has not been reported in the literature in individuals affected with DSP-related conditions. ClinVar contains an entry for this variant (Variation ID: 545955). Experimental studies and prediction algorithms are not available or were not evaluated, and the functional significance of this variant is currently unknown. This variant disrupts a region of the DSP protein in which other variant(s) (p.Arg2166*, p.Arg1951*, p.Ser2168Argfs*18) have been determined to be pathogenic (PMID: 11063735, 21859740, 23671136, 27532257, 28527814; internal data). This suggests that this is a clinically significant region of the protein, and that variants that disrupt it are likely to be disease-causing. For these reasons, this variant has been classified as Pathogenic.

Ambry Genetics
Classification: Pathogenic for Cardiovascular phenotype. Last evaluated: 2025-10-20. Review status: criteria provided, single submitter. Criteria: Ambry Variant Classification Scheme 2023. Collection method: clinical testing. Allele origin: germline.
Comment: The c.5327_5330delAGAG alteration, located in exon 23 (coding exon 23) of the DSP gene, consists of a deletion of 4 nucleotides from position 5327 to 5330, causing a translational frameshift with a predicted alternate stop codon after amino acids. This alteration occurs at the 3' terminus of the DSP gene, is not expected to trigger nonsense-mediated mRNA decay, and impacts the last 38% of the protein. However, premature stop codons are typically deleterious in nature and the impacted region is critical for protein function (Ambry internal data). This variant was not reported in population-based cohorts in the Genome Aggregation Database (gnomAD). Alterations in DSP that result in haploinsufficiency or protein truncation have been reported in patients with ARVC and dilated cardiomyopathy (DCM) (Fressart, 2010; Elliott, 2010; Quarta, 2011; Garcia-Pavia, 2011; Rasmussen, 2013; Pugh, 2014). Based on the available evidence, this alteration is classified as pathogenic.

CeGaT Center for Human Genetics Tuebingen
Classification: Pathogenic. Last evaluated: 2025-03-01. Review status: criteria provided, single submitter. Criteria: CeGaT Center For Human Genetics Tuebingen Variant Classification Criteria Version 2. Collection method: clinical testing. Allele origin: germline. Affected: yes. Observed: 2 variant alleles.
Comment: DSP: PVS1, PM2, PS4:Moderate

All of Us Research Program, National Institutes of Health
Classification: Likely pathogenic for Arrhythmogenic cardiomyopathy with wooly hair and keratoderma. Last evaluated: 2024-06-09. Review status: criteria provided, single submitter. Criteria: ACMG Guidelines, 2015. Collection method: clinical testing. Allele origin: germline. Inheritance: Autosomal dominant inheritance. Observed: 1 variant allele, 1 heterozygote.
Comment: This variant deletes 4 nucleotides in exon 23 of the DSP gene, creating a frameshift and premature translation stop signal. This variant is predicted to escape nonsense-mediated decay and be expressed as a truncated protein. Although functional studies have not been reported, this variant is expected to disrupt the plakin repeat domains. Plakin repeat domains and downstream C-terminal sequence have been reported to be essential for coalignment and binding of intermediate filaments (PMID: 12101406, 12802069, 21756917). In addition, truncating variants occurring downstream of this variant are known to be disease-causing (ClinVar variation ID: 246676, 263803). This variant has been reported in a few individuals from population-based cohorts, who had not been previously diagnosed with arrhythmogenic cardiomyopathy (PMID: 31638835, 33684294, 33968641). This variant has not been identified in the general population by the Genome Aggregation Database (gnomAD). Loss of DSP function is a known mechanism of disease. Based on the available evidence, this variant is classified as Likely Pathogenic.

This study involves interpretation of variants in research participants for the purpose of population health screening. Participant phenotype was not available at the time of variant classification. Additional details can be found in publication PMID: 35346344, PMCID: PMC8962531

Women's Health and Genetics/Laboratory Corporation of America, LabCorp
Classification: Pathogenic for Familial isolated arrhythmogenic right ventricular dysplasia. Last evaluated: 2024-06-07. Review status: criteria provided, single submitter. Criteria: LabCorp Variant Classification Summary - May 2015. Collection method: clinical testing. Allele origin: germline.
Comment: Variant summary: DSP c.5327_5330delAGAG (p.Glu1776GlyfsX4) results in a premature termination codon, predicted to cause a truncation of the encoded protein or absence of the protein. Variants downstream of this position have been classified as pathogenic by our laboratory and in ClinVar. The variant was absent in 250768 control chromosomes. To our knowledge, no occurrence of c.5327_5330delAGAG in individuals affected with Arrhythmogenic Right Ventricular Dysplasia/Cardiomyopathy and no experimental evidence demonstrating its impact on protein function have been reported. ClinVar contains an entry for this variant (Variation ID: 545955). Based on the evidence outlined above, the variant was classified as pathogenic.

GeneDx
Classification: Likely pathogenic. Last evaluated: 2022-03-04. Review status: criteria provided, single submitter. Criteria: GeneDx Variant Classification Process June 2021. Collection method: clinical testing. Allele origin: germline. Affected: yes.
Comment: Has not been previously published in association with DSP-related disorders to our knowledge; Not observed at significant frequency in large population cohorts (gnomAD); Frameshift variant predicted to result in protein truncation in a gene for which loss-of-function is a known mechanism of disease; This variant is associated with the following publications: (PMID: 31638835, 33684294)

Greenwood Genetic Center Diagnostic Laboratories, Greenwood Genetic Center
Classification: Likely pathogenic for Arrhythmogenic right ventricular dysplasia 8. Last evaluated: 2021-08-10. Review status: criteria provided, single submitter. Criteria: ACMG Guidelines, 2015. Collection method: clinical testing. Allele origin: germline.
Comment: PVS1, PM2

Literature cited by the submitters: PubMed 11063735 (cited by Labcorp Genetics (formerly Invitae), Labcorp); PubMed 21859740 (cited by Labcorp Genetics (formerly Invitae), Labcorp and Ambry Genetics); PubMed 23671136 (cited by Labcorp Genetics (formerly Invitae), Labcorp); PubMed 27532257 (cited by Labcorp Genetics (formerly Invitae), Labcorp); PubMed 28527814 (cited by Labcorp Genetics (formerly Invitae), Labcorp); PubMed 20400443 (cited by Ambry Genetics); PubMed 20716751 (cited by Ambry Genetics); PubMed 21606390 (cited by Ambry Genetics); PubMed 23137101 (cited by Ambry Genetics); PubMed 24503780 (cited by Ambry Genetics); PubMed 12101406 (cited by All of Us Research Program, National Institutes of Health); PubMed 12802069 (cited by All of Us Research Program, National Institutes of Health); PubMed 21756917 (cited by All of Us Research Program, National Institutes of Health); PubMed 31638835 (cited by All of Us Research Program, National Institutes of Health); PubMed 33684294 (cited by All of Us Research Program, National Institutes of Health); PubMed 33968641 (cited by All of Us Research Program, National Institutes of Health).